The following is an entry in ClinVar:

ClinVar aggregate classification (germline): Conflicting classifications of pathogenicity. Review status: criteria provided, conflicting classifications (1 of 4 stars). 2 submissions from 2 submitters: Uncertain significance (1); Likely benign (1). Last evaluated 2023-03-23.

Conditions:
Hereditary cancer-predisposing syndrome. Also called: Hereditary Cancer Syndrome; Tumor predisposition; Hereditary neoplastic syndrome; Neoplastic Syndromes, Hereditary. Identifiers: Orphanet 140162, MedGen C0027672, MeSH D009386, MONDO:0015356.
Hereditary breast ovarian cancer syndrome. Also called: Hereditary breast and ovarian cancer syndrome (HBOC); Breast and ovarian cancer; Hereditary breast and ovarian cancer syndrome; Hereditary breast and ovarian cancer; Hereditary breast and/or ovarian cancer syndrome; BRCA1- and BRCA2-Associated Hereditary Breast and Ovarian Cancer. Identifiers: Orphanet 145, MedGen C0677776, MeSH D061325, MONDO:0003582. Disease mechanism: loss of function.

Allele frequency attached by ClinVar (database versions not stated): ExAC 0.00001.

Submissions (2):

University of Washington Department of Laboratory Medicine, University of Washington
Classification: Likely benign for Hereditary cancer-predisposing syndrome. Last evaluated: 2023-03-23. Review status: criteria provided, single submitter. Criteria: Dines et al. (Genet Med. 2020). Collection method: curation. Allele origin: germline.
Comment: Missense variant in a coldspot region where missense variants are very unlikely to be pathogenic (PMID:31911673).

BRCA2 exon 11 coldspot. Reclassification based on statistical prior probability.

Labcorp Genetics (formerly Invitae), Labcorp
Classification: Uncertain significance for Hereditary breast ovarian cancer syndrome. Last evaluated: 2020-03-23. Review status: criteria provided, single submitter. Criteria: Invitae Variant Classification Sherloc (09022015). Collection method: clinical testing. Allele origin: germline.
Comment: This sequence change replaces serine with arginine at codon 1494 of the BRCA2 protein (p.Ser1494Arg). The serine residue is weakly conserved and there is a moderate physicochemical difference between serine and arginine. The frequency data for this variant in the population databases is considered unreliable, as metrics indicate poor data quality at this position in the ExAC database. This variant has not been reported in the literature in individuals with BRCA2-related conditions. Algorithms developed to predict the effect of missense changes on protein structure and function output the following: SIFT: "Tolerated"; PolyPhen-2: "Benign"; Align-GVGD: "Class C0". The arginine amino acid residue is found in multiple mammalian species, suggesting that this missense change does not adversely affect protein function. These predictions have not been confirmed by published functional studies and their clinical significance is uncertain. In summary, the available evidence is currently insufficient to determine the role of this variant in disease. Therefore, it has been classified as a Variant of Uncertain Significance.

NM_000059.4(BRCA2):c.4482T>G (p.Ser1494Arg)

Gene: BRCA2 (BRCA2 DNA repair associated; plus strand). Cytogenetic location: 13q13.1.
Variant type: single nucleotide variant.
Coding change: c.4482T>G on transcript NM_000059.4 (MANE Select); coding-DNA position 4482, T replaced by G.
Protein change: p.Ser1494Arg; replaces serine 1494 with arginine.
Molecular consequence: missense variant.
Genome position (GRCh38, 1-based): chr13:32,338,837, T>G. VCF-style: chr13-32338837-T-G. GRCh37 (hg19) VCF-style: chr13-32912974-T-G.
Other names: short protein forms S1494R.
Identifiers: ClinVar variation 1040850 (VCV001040850.10), dbSNP rs761826517, ClinGen allele CA6940783.